The following is an entry in ClinVar:

ClinVar aggregate classification (germline): Likely benign (1 of 4 stars; one submission).

Allele frequency attached by ClinVar (database versions not stated): gnomAD 0.00025.

Submission:

CeGaT Center for Human Genetics Tuebingen
Classification: Likely benign. Last evaluated: 2025-11-01. Review status: criteria provided, single submitter. Criteria: CeGaT Center For Human Genetics Tuebingen Variant Classification Criteria Version 2. Collection method: clinical testing. Allele origin: germline. Affected: yes. Observed: 1 variant allele.
Comment: MICAL3: BP4, BP7

NM_015241.3(MICAL3):c.4389A>C (p.Pro1463=)

Gene: MICAL3 (microtubule associated monooxygenase, calponin and LIM domain containing 3; minus strand). Cytogenetic location: 22q11.21.
Variant type: single nucleotide variant.
Coding change: c.4389A>C on transcript NM_015241.3 (MANE Select); coding-DNA position 4389, A replaced by C.
Protein change: p.Pro1463=; no amino-acid change (proline 1463 retained).
Molecular consequence: synonymous variant.
Genome position (GRCh38, 1-based): chr22:17,818,272, T>G on the plus strand (A>C on the coding strand, the complement: MICAL3 is on the minus strand). VCF-style: chr22-17818272-T-G. GRCh37 (hg19) VCF-style: chr22-18301038-T-G.
Identifiers: ClinVar variation 3250738 (VCV003250738.18), dbSNP rs1173335387.